The following is an entry in ClinVar:

ClinVar aggregate classification (germline): Uncertain significance (1 of 4 stars; one submission).

Conditions:
Diamond-Blackfan anemia. Also called: Blackfan Diamond syndrome; Aregenerative anemia chronic congenital; Red cell aplasia, pure hereditary; Congenital hypoplastic anemia; Aase syndrome. Identifiers: Orphanet 124, MedGen C1260899, MeSH D029503, MONDO:0015253, HP:0004810.

Submission:

Labcorp Genetics (formerly Invitae), Labcorp
Classification: Uncertain significance for Diamond-Blackfan anemia. Last evaluated: 2025-05-06. Review status: criteria provided, single submitter. Criteria: Invitae Variant Classification Sherloc (09022015). Collection method: clinical testing. Allele origin: germline.
Comment: This sequence change replaces arginine, which is basic and polar, with glycine, which is neutral and non-polar, at codon 156 of the RPL11 protein (p.Arg156Gly). This variant is not present in population databases (gnomAD no frequency). This variant has not been reported in the literature in individuals affected with RPL11-related conditions. An algorithm developed to predict the effect of missense changes on protein structure and function (PolyPhen-2) suggests that this variant is likely to be disruptive. In summary, the available evidence is currently insufficient to determine the role of this variant in disease. Therefore, it has been classified as a Variant of Uncertain Significance.

NM_000975.5(RPL11):c.466A>G (p.Arg156Gly)

Gene: RPL11 (ribosomal protein L11; plus strand). Cytogenetic location: 1p36.11.
Variant type: single nucleotide variant.
Coding change: c.466A>G on transcript NM_000975.5 (MANE Select); coding-DNA position 466, A replaced by G.
Protein change: p.Arg156Gly; replaces arginine 156 with glycine.
Molecular consequence: missense variant.
Genome position (GRCh38, 1-based): chr1:23,695,867, A>G. VCF-style: chr1-23695867-A-G. GRCh37 (hg19) VCF-style: chr1-24022357-A-G.
Other names: c.463A>G, p.Arg155Gly (NM_001199802.1); short protein forms R155G, R156G.
Identifiers: ClinVar variation 4719070 (VCV004719070.1).